The following is an entry in ClinVar:

NM_000393.5(COL5A2):c.1928C>T (p.Ala643Val)

Gene: COL5A2 (collagen type V alpha 2 chain; minus strand). Cytogenetic location: 2q32.2.
Variant type: single nucleotide variant.
Coding change: c.1928C>T on transcript NM_000393.5 (MANE Select); coding-DNA position 1928, C replaced by T.
Protein change: p.Ala643Val; replaces alanine 643 with valine.
Molecular consequence: missense variant.
Genome position (GRCh38, 1-based): chr2:189,062,914, G>A on the plus strand (C>T on the coding strand, the complement: COL5A2 is on the minus strand). VCF-style: chr2-189062914-G-A. GRCh37 (hg19) VCF-style: chr2-189927640-G-A.
Other names: short protein forms A643V.
Identifiers: ClinVar variation 450714 (VCV000450714.3), dbSNP rs767643591, ClinGen allele CA2022514.

ClinVar aggregate classification (germline): Uncertain significance. Review status: criteria provided, multiple submitters, no conflicts (2 of 4 stars). 2 submissions from 2 submitters: Uncertain significance (2). Last evaluated 2025-10-25.

Conditions:
Ehlers-Danlos syndrome, classic type, 1 (EDSCL1). Also called: EHLERS-DANLOS SYNDROME, GRAVIS TYPE; EHLERS-DANLOS SYNDROME, SEVERE CLASSIC TYPE; EDS I; Ehlers-Danlos Syndrome, Classic Type, COL5A1-Related; Ehlers-Danlos syndrome, type 1. Identifiers: MedGen C0268335, MONDO:0019567, OMIM 130000.

Allele frequency attached by ClinVar (database versions not stated): gnomAD exomes 0.00001; TOPMed 0.00001; ExAC 0.00001.
gnomAD v4.1: 5 of 1,613,996 alleles (0.00031%); highest among the groups gnomAD compares: Admixed American, 0.0033%; no homozygotes.

Submissions (2):

Labcorp Genetics (formerly Invitae), Labcorp
Classification: Uncertain significance for Ehlers-Danlos syndrome, classic type, 1. Last evaluated: 2025-10-25. Review status: criteria provided, single submitter. Criteria: Invitae Variant Classification Sherloc (09022015). Collection method: clinical testing. Allele origin: germline.
Comment: This sequence change replaces alanine, which is neutral and non-polar, with valine, which is neutral and non-polar, at codon 643 of the COL5A2 protein (p.Ala643Val). This variant is present in population databases (rs767643591, gnomAD 0.006%). This variant has not been reported in the literature in individuals affected with COL5A2-related conditions. ClinVar contains an entry for this variant (Variation ID: 450714). Invitae Evidence Modeling of protein sequence and biophysical properties (such as structural, functional, and spatial information, amino acid conservation, physicochemical variation, residue mobility, and thermodynamic stability) indicates that this missense variant is not expected to disrupt COL5A2 protein function with a negative predictive value of 80%. In summary, the available evidence is currently insufficient to determine the role of this variant in disease. Therefore, it has been classified as a Variant of Uncertain Significance.

GeneDx
Classification: Uncertain significance. Last evaluated: 2017-07-18. Review status: criteria provided, single submitter. Criteria: GeneDx Variant Classification (06012015). Collection method: clinical testing. Allele origin: germline. Affected: yes.
Comment: A variant of uncertain significance has been identified in the COL5A2 gene. The A643V variant has not been published as pathogenic or been reported as benign to our knowledge. This variant is also not observed at a significant frequency in large population cohorts (Lek et al., 2016; 1000 Genomes Consortium et al., 2015; Exome Variant Server). Although this substitution occurs at a position that is conserved in mammals, A643V is a conservative amino acid substitution, which is not likely to impact secondary protein structure as these residues share similar properties. Additionally, in silico analysis is inconsistent in its predictions as to whether or not the variant is damaging to the protein structure/function. Furthermore, A643V does not affect a Glycine residue in a Gly-X-Y motif in the triple helical region of the COL5A2 gene, where the majority of pathogenic missense variants occur (Stenson et al., 2014; Symoens et al., 2012). However, in contrast to several other collagen genes, relatively few pathogenic Glycine substitutions have been reported in COL5A2 in association with Ehlers-Danlos syndrome. Most pathogenic variants in COL5A2 are in-frame splice site changes that cause exon skipping (Symoens et al., 2012).